The following is an entry in ClinVar:

ClinVar aggregate classification (germline): Benign/Likely benign. Review status: criteria provided, multiple submitters, no conflicts (2 of 4 stars). 6 submissions from 6 submitters: Benign (1); Likely benign (3). 2 of the submissions do not count toward it. Last evaluated 2026-01-05.

Conditions:
CDH23-related disorder. Also called: CDH23-related disorders; CDH23-related condition.
Usher syndrome type 1 (USH1). Also called: RETINITIS PIGMENTOSA AND CONGENITAL DEAFNESS. Identifiers: Orphanet 231169, Orphanet 886, MedGen C1568247, MONDO:0010168, OMIM 276900.

Allele frequency attached by ClinVar (database versions not stated): TOPMed 0.00024.
gnomAD v4.1: 136 of 1,605,622 alleles (0.0085%); highest among the groups gnomAD compares: Admixed American, 0.22%; no homozygotes.

Submissions (6):

Labcorp Genetics (formerly Invitae), Labcorp
Classification: Benign. Last evaluated: 2026-01-05. Review status: criteria provided, single submitter. Criteria: Invitae Variant Classification Sherloc (09022015). Collection method: clinical testing. Allele origin: germline.

Blueprint Genetics
Classification: Likely benign. Last evaluated: 2024-02-19. Review status: criteria provided, single submitter. Criteria: ACMG Guidelines, 2015. Collection method: clinical testing. Allele origin: germline.

GeneDx
Classification: Likely benign. Last evaluated: 2021-10-12. Review status: criteria provided, single submitter. Criteria: GeneDx Variant Classification Process June 2021. Collection method: clinical testing. Allele origin: germline. Affected: yes.

Laboratory for Molecular Medicine, Mass General Brigham Personalized Medicine
Classification: Likely benign. Last evaluated: 2016-06-28. Review status: criteria provided, single submitter. Criteria: LMM Criteria. Collection method: clinical testing. Allele origin: germline. Observed: 2 variant alleles.
Comment: p.Thr731Thr in exon 21 of CDH23: This variant is not expected to have clinical s ignificance because it does not alter an amino acid residue, is not located with in the splice consensus sequence, and it has been identified in 0.4% (51/11414) of Latino chromosomes by the Exome Aggregation Consortium (ExAC; dbSNP rs397517315).

Natera, Inc.
Classification: Likely benign for Usher syndrome type 1. Last evaluated: 2019-12-12. Review status: no assertion criteria provided. Collection method: clinical testing. Allele origin: germline. Not counted in ClinVar's aggregate classification.

PreventionGenetics, part of Exact Sciences
Classification: Likely benign for CDH23-related condition. Last evaluated: 2019-11-01. Review status: no assertion criteria provided. Collection method: clinical testing. Allele origin: germline. Not counted in ClinVar's aggregate classification.
Comment: This variant is classified as likely benign based on ACMG/AMP sequence variant interpretation guidelines (Richards et al. 2015 PMID: 25741868, with internal and published modifications).

NM_022124.6(CDH23):c.2193G>C (p.Thr731=)

Gene: CDH23 (cadherin related 23; plus strand). Cytogenetic location: 10q22.1.
Variant type: single nucleotide variant.
Coding change: c.2193G>C on transcript NM_022124.6 (MANE Select); coding-DNA position 2193, G replaced by C.
Protein change: p.Thr731=; no amino-acid change (threonine 731 retained).
Molecular consequence: synonymous variant.
Genome position (GRCh38, 1-based): chr10:71,694,163, G>C. VCF-style: chr10-71694163-G-C. GRCh37 (hg19) VCF-style: chr10-73453920-G-C.
Other names: c.2193G>C, p.Thr731= (NM_001171930.2, NM_001171931.2).
Identifiers: ClinVar variation 45889 (VCV000045889.23), dbSNP rs397517315, ClinGen allele CA137313.